The following is an entry in ClinVar:

ClinVar aggregate classification (germline): Pathogenic (1 of 4 stars; one submission).

Conditions:
Canavan Disease, Familial Form. Identifiers: MedGen C0751663.

Submission:

Women's Health and Genetics/Laboratory Corporation of America, LabCorp
Classification: Pathogenic for Canavan Disease, Familial Form. Last evaluated: 2024-10-11. Review status: criteria provided, single submitter. Criteria: LabCorp Variant Classification Summary - May 2015. Collection method: clinical testing. Allele origin: germline.
Comment: Variant summary: ASPA c.297_300delATTT (p.Phe100ValfsX36) results in a premature termination codon, predicted to cause absence of the protein due to nonsense mediated decay, which is a commonly known mechanism for disease. The variant was absent in 251134 control chromosomes. To our knowledge, no occurrence of c.297_300delATTT in individuals affected with Canavan Disease and no experimental evidence demonstrating its impact on protein function have been reported. No submitters have cited clinical-significance assessments for this variant to ClinVar. Based on the evidence outlined above, the variant was classified as pathogenic.

NM_000049.4(ASPA):c.297_300del (p.Phe100fs)

Genes: ASPA (aspartoacylase; plus strand), SPATA22 (spermatogenesis associated 22; minus strand). Cytogenetic location: 17p13.2.
Variant type: Microsatellite.
Coding change: c.297_300del on transcript NM_000049.4 (MANE Select); coding-DNA positions 297 to 300, 4 bases deleted (ATTT; older notation c.297_300delATTT).
Protein change: p.Phe100fs; shifts the reading frame from phenylalanine 100.
Molecular consequence: frameshift variant. On other transcripts: intron variant (2).
Genome position (GRCh38, 1-based): chr17:3,481,663-3,481,666, ATTT deleted; deleting any 4 consecutive bases within chr17:3,481,659-3,481,666 gives the same sequence; the c. name uses the placement nearest the transcript's 3' end. VCF-style (leftmost placement, unchanged base first): chr17-3481658-CATTT-C. GRCh37 (hg19) VCF-style: chr17-3384952-CATTT-C.
Other names: c.297_300del, p.Phe100fs (NM_001128085.1); c.-73-12264_-73-12261del (NM_001321336.2, NM_001321337.2); c.297_300delATTT (NM_000049.4); short protein forms F100fs.
Identifiers: ClinVar variation 3384748 (VCV003384748.1).